The following is an entry in ClinVar:

NM_016239.4(MYO15A):c.9161C>T (p.Pro3054Leu)

Gene: MYO15A (myosin XVA; plus strand). Cytogenetic location: 17p11.2.
Variant type: single nucleotide variant.
Coding change: c.9161C>T on transcript NM_016239.4 (MANE Select); coding-DNA position 9161, C replaced by T.
Protein change: p.Pro3054Leu; replaces proline 3054 with leucine.
Molecular consequence: missense variant.
Genome position (GRCh38, 1-based): chr17:18,159,279, C>T. VCF-style: chr17-18159279-C-T. GRCh37 (hg19) VCF-style: chr17-18062593-C-T.
Other names: short protein forms P3054L.
Identifiers: ClinVar variation 666871 (VCV000666871.4), dbSNP rs1431217758, ClinGen allele CA398633627.

ClinVar aggregate classification (germline): Uncertain significance (1 of 4 stars; one submission).

Allele frequency attached by ClinVar (database versions not stated): gnomAD exomes below 0.00001; TOPMed below 0.00001.
gnomAD v4.1: 2 of 1,614,196 alleles (0.00012%); highest among the groups gnomAD compares: African/African-American, 0.0013%; no homozygotes.

Submission:

Laboratory for Molecular Medicine, Mass General Brigham Personalized Medicine
Classification: Uncertain significance. Last evaluated: 2018-09-10. Review status: criteria provided, single submitter. Criteria: LMM Criteria. Collection method: clinical testing. Allele origin: germline. Observed: 1 variant allele.
Comment: The p.Pro3054Leu variant in MYO15A has not been previously reported in individua ls with hearing loss and was absent from large population databases. Computation al prediction tools and conservation analysis suggest that the p.Pro3054Leu vari ant may impact the protein, though this information is not predictive enough to determine pathogenicity. In summary, the clinical significance of the p.Pro3054L eu variant is uncertain. ACMG/AMP Criteria applied: PP3, PM2.